The following is an entry in ClinVar:

ClinVar aggregate classification (germline): Uncertain significance. Review status: criteria provided, multiple submitters, no conflicts (2 of 4 stars). 3 submissions from 3 submitters: Uncertain significance (3). Last evaluated 2025-12-26.

Conditions:
TNFRSF6B-related disorder. Also called: TNFRSF6B-related condition.

Allele frequency attached by ClinVar (database versions not stated): gnomAD exomes 0.00002 and 0.00004; ExAC 0.00008; 1000 Genomes Project 30x 0.00016; gnomAD 0.00039 and 0.00040; TOPMed 0.00044.
gnomAD v4.1: 105 of 1,606,024 alleles (0.0065%); highest among the groups gnomAD compares: African/African-American, 0.097%; no homozygotes.

Submissions (3):

Labcorp Genetics (formerly Invitae), Labcorp
Classification: Uncertain significance. Last evaluated: 2025-12-26. Review status: criteria provided, single submitter. Criteria: Invitae Variant Classification Sherloc (09022015). Collection method: clinical testing. Allele origin: germline.
Comment: This sequence change replaces tryptophan, which is neutral and slightly polar, with serine, which is neutral and polar, at codon 242 of the TNFRSF6B protein (p.Trp242Ser). This variant is present in population databases (rs748457267, gnomAD 0.08%), and has an allele count higher than expected for a pathogenic variant. This variant has not been reported in the literature in individuals affected with TNFRSF6B-related conditions. ClinVar contains an entry for this variant (Variation ID: 1510201). An algorithm developed to predict the effect of missense changes on protein structure and function (PolyPhen-2) suggests that this variant is likely to be tolerated. In summary, the available evidence is currently insufficient to determine the role of this variant in disease. Therefore, it has been classified as a Variant of Uncertain Significance.

Ambry Genetics
Classification: Uncertain significance. Last evaluated: 2024-09-08. Review status: criteria provided, single submitter. Criteria: Ambry Variant Classification Scheme 2023. Collection method: clinical testing. Allele origin: germline.

PreventionGenetics, part of Exact Sciences
Classification: Uncertain significance for TNFRSF6B-related condition. Last evaluated: 2023-06-08. Review status: criteria provided, single submitter. Criteria: ACMG Guidelines, 2015. Collection method: clinical testing. Allele origin: germline.
Comment: The TNFRSF6B c.725G>C variant is predicted to result in the amino acid substitution p.Trp242Ser. To our knowledge, this variant has not been reported in the literature. This variant is reported in 0.089% of alleles in individuals of African descent in gnomAD. Although we suspect that this variant may be benign, at this time, the clinical significance of this variant is uncertain due to the absence of conclusive functional and genetic evidence.

NM_003823.4(TNFRSF6B):c.725G>C (p.Trp242Ser)

Genes: RTEL1-TNFRSF6B (RTEL1-TNFRSF6B readthrough (NMD candidate); plus strand), TNFRSF6B (TNF receptor superfamily member 6b; plus strand). Cytogenetic location: 20q13.33.
Variant type: single nucleotide variant.
Coding change: c.725G>C on transcript NM_003823.4 (MANE Select); coding-DNA position 725, G replaced by C.
Protein change: p.Trp242Ser; replaces tryptophan 242 with serine.
Molecular consequence: missense variant. On other transcripts: non-coding transcript variant (1).
Genome position (GRCh38, 1-based): chr20:63,698,385, G>C. VCF-style: chr20-63698385-G-C. GRCh37 (hg19) VCF-style: chr20-62329738-G-C.
Other names: c.725G>C (NM_003823.3); short protein forms W242S.
Identifiers: ClinVar variation 1510201 (VCV001510201.10), dbSNP rs748457267, ClinGen allele CA9966579.